The following is an entry in ClinVar:

NM_002016.2(FLG):c.9315C>T (p.Tyr3105=)

Genes: CCDST (cervical cancer associated DHX9 suppressive transcript; plus strand), FLG (filaggrin; minus strand). Cytogenetic location: 1q21.3.
Variant type: single nucleotide variant.
Coding change: c.9315C>T on transcript NM_002016.2 (MANE Select); coding-DNA position 9315, C replaced by T.
Protein change: p.Tyr3105=; no amino-acid change (tyrosine 3105 retained).
Molecular consequence: synonymous variant.
Genome position (GRCh38, 1-based): chr1:152,305,571, G>A on the plus strand (C>T on the coding strand, the complement: FLG is on the minus strand). VCF-style: chr1-152305571-G-A. GRCh37 (hg19) VCF-style: chr1-152278047-G-A.
Identifiers: ClinVar variation 1233699 (VCV001233699.27), dbSNP rs200815866, ClinGen allele CA1103868.

ClinVar aggregate classification (germline): Benign/Likely benign. Review status: criteria provided, multiple submitters, no conflicts (2 of 4 stars). 2 submissions from 2 submitters: Benign (1); Likely benign (1). Last evaluated 2023-02-01.

Allele frequency attached by ClinVar (database versions not stated): gnomAD 0.00022; ESP Exome Variant Server 0.00024; ExAC 0.00031; 1000 Genomes Project 0.00379.

Submissions (2):

CeGaT Center for Human Genetics Tuebingen
Classification: Likely benign. Last evaluated: 2023-02-01. Review status: criteria provided, single submitter. Criteria: CeGaT Center For Human Genetics Tuebingen Variant Classification Criteria Version 2. Collection method: clinical testing. Allele origin: germline. Affected: yes. Observed: 1 variant allele.
Comment: FLG: BP4, BS2

GeneDx
Classification: Benign. Last evaluated: 2021-06-03. Review status: criteria provided, single submitter. Criteria: GeneDx Variant Classification Process June 2021. Collection method: clinical testing. Allele origin: germline. Affected: yes.